The following is an entry in ClinVar:

ClinVar aggregate classification (germline): Uncertain significance. Review status: criteria provided, multiple submitters, no conflicts (2 of 4 stars). 2 submissions from 2 submitters: Uncertain significance (2). Last evaluated 2025-08-12.

Conditions:
SH2B1-related disorder. Also called: SH2B1-related condition.

Submissions (2):

Ambry Genetics
Classification: Uncertain significance. Last evaluated: 2025-08-12. Review status: criteria provided, single submitter. Criteria: Ambry Variant Classification Scheme 2023. Collection method: clinical testing. Allele origin: germline.

PreventionGenetics, part of Exact Sciences
Classification: Uncertain significance for SH2B1-related condition. Last evaluated: 2025-03-24. Review status: criteria provided, single submitter. Criteria: ACMG Guidelines, 2015. Collection method: clinical testing. Allele origin: germline.
Comment: The SH2B1 c.286A>C variant is predicted to result in the amino acid substitution p.Ser96Arg. To our knowledge, this variant has not been reported in the literature. This variant is reported in 0.00090% of alleles in individuals of European (Non-Finnish) descent in gnomAD. At this time, the clinical significance of this variant is uncertain due to the absence of conclusive functional and genetic evidence.

NM_001387430.1(SH2B1):c.286A>C (p.Ser96Arg)

Gene: SH2B1 (SH2B adaptor protein 1; plus strand). Cytogenetic location: 16p11.2.
Variant type: single nucleotide variant.
Coding change: c.286A>C on transcript NM_001387430.1 (MANE Select); coding-DNA position 286, A replaced by C.
Protein change: p.Ser96Arg; replaces serine 96 with arginine.
Molecular consequence: missense variant. On other transcripts: intron variant (1).
Genome position (GRCh38, 1-based): chr16:28,866,380, A>C. VCF-style: chr16-28866380-A-C. GRCh37 (hg19) VCF-style: chr16-28877701-A-C.
Other names: c.286A>C, p.Ser96Arg (NM_001145795.2, NM_001145796.2, NM_001145797.2 and 4 more transcripts); c.-26-994A>C (NM_001308294.2); short protein forms S96R.
Identifiers: ClinVar variation 4163881 (VCV004163881.2).